The following is an entry in ClinVar:

ClinVar aggregate classification (germline): Benign (0 of 4 stars; one submission).

Conditions:
CHN2-related disorder. Also called: CHN2-related condition.

Allele frequency attached by ClinVar (database versions not stated): ExAC 0.02642.

Submission:

PreventionGenetics, part of Exact Sciences
Classification: Benign for CHN2-related condition. Last evaluated: 2019-08-10. Review status: no assertion criteria provided. Collection method: clinical testing. Allele origin: germline.
Comment: This variant is classified as benign based on ACMG/AMP sequence variant interpretation guidelines (Richards et al. 2015 PMID: 25741868, with internal and published modifications).

NM_001398427.1(CHN2):c.-511T>G

Genes: CHN2 (chimerin 2; plus strand), CPVL (carboxypeptidase vitellogenic like; minus strand). Cytogenetic location: 7p14.3.
Variant type: single nucleotide variant.
Coding change: c.-511T>G on transcript NM_001398427.1; 511 bases upstream of the start codon, T replaced by G.
Molecular consequence: 5 prime UTR variant. On other transcripts: intron variant (15).
Genome position (GRCh38, 1-based): chr7:29,146,736, T>G. VCF-style: chr7-29146736-T-G. GRCh37 (hg19) VCF-style: chr7-29186352-T-G.
Other names: NM_001293069.1:c.153T>G; c.-71-25665A>C (NM_001371268.1); c.-10-25665A>C (NM_001371258.1, NM_001371256.1, NM_001371261.1 and 8 more transcripts); c.-364-25665A>C (NM_001371266.1); c.-496-25665A>C (NM_001371265.1); c.-337-25665A>C (NM_001371267.1).
Identifiers: ClinVar variation 3035343 (VCV003035343.2), dbSNP rs763980926, ClinGen allele CA4201868.